The following is an entry in ClinVar:

NM_170606.3(KMT2C):c.4845G>A (p.Trp1615Ter)

Gene: KMT2C (lysine methyltransferase 2C; minus strand). Cytogenetic location: 7q36.1.
Variant type: single nucleotide variant.
Coding change: c.4845G>A on transcript NM_170606.3 (MANE Select); coding-DNA position 4845, G replaced by A.
Protein change: p.Trp1615Ter; replaces tryptophan 1615 with a stop codon.
Molecular consequence: nonsense.
Genome position (GRCh38, 1-based): chr7:152,187,425, C>T on the plus strand (G>A on the coding strand, the complement: KMT2C is on the minus strand). VCF-style: chr7-152187425-C-T. GRCh37 (hg19) VCF-style: chr7-151884510-C-T.
Other names: short protein forms W1615*.
Identifiers: ClinVar variation 2572632 (VCV002572632.1), dbSNP rs2129124731, ClinGen allele CA370102733.

ClinVar aggregate classification (germline): Pathogenic (1 of 4 stars; one submission).

Conditions:
Kleefstra syndrome 2 (KLEFS2). Identifiers: MedGen C4540395, MONDO:0054701, OMIM 617768.

Submission:

Laboratory of Medical Genetics, National & Kapodistrian University of Athens
Classification: Pathogenic for Kleefstra syndrome 2. Last evaluated: 2023-01-04. Review status: criteria provided, single submitter. Criteria: ACMG Guidelines, 2015. Collection method: clinical testing. Allele origin: de novo. Affected: yes.
Comment: PS2, PVS1, PM2